The following is an entry in ClinVar:

NC_012920.1(MT-TG):m.10046T>C

Gene: MT-TG (mitochondrially encoded tRNA glycine; plus strand).
Variant type: single nucleotide variant.
Genome position: chrM-10046-T-C.
Identifiers: ClinVar variation 235011 (VCV000235011.4), dbSNP rs876661357, ClinGen allele CA10581193.

ClinVar aggregate classification (germline): Conflicting classifications of pathogenicity. Review status: criteria provided, conflicting classifications (1 of 4 stars). 2 submissions from 2 submitters: Uncertain significance (1); Likely benign (1). Last evaluated 2019-07-12.

Conditions:
MELAS syndrome (MELAS). Also called: Juvenile myopathy, encephalopathy, lactic acidosis, stroke. Identifiers: Orphanet 550, MedGen C0162671, MONDO:0010789, OMIM 540000.

Submissions (2):

Wong Mito Lab, Molecular and Human Genetics, Baylor College of Medicine
Classification: Likely benign for MELAS syndrome. Last evaluated: 2019-07-12. Review status: criteria provided, single submitter. Criteria: Modified ACMG Guidelines (Unpublished). Collection method: clinical testing. Allele origin: germline.
Comment: The NC_012920.1:m.10046T>C variant in MT-TG gene is interpreted to be a Likely Benign variant based on the modified ACMG guidelines (unpublished). This variant meets the following evidence codes reported in the guidelines: BP4, BP6

Stanford Center for Inherited Cardiovascular Disease, Stanford University
Classification: Uncertain significance. Last evaluated: 2014-12-07. Review status: criteria provided, single submitter. Criteria: ACMG Guidelines, 2015. Collection method: provider interpretation. Allele origin: germline.

Literature cited by the submitters: PubMed 31965079 (cited by Wong Mito Lab, Molecular and Human Genetics, Baylor College of Medicine).